The following is an entry in ClinVar:

NM_004370.6(COL12A1):c.4288-14A>G

Gene: COL12A1 (collagen type XII alpha 1 chain; minus strand). Cytogenetic location: 6q13.
Variant type: single nucleotide variant.
Coding change: c.4288-14A>G on transcript NM_004370.6 (MANE Select); 14 bases into the intron before coding-DNA position 4288, A replaced by G.
Molecular consequence: intron variant.
Genome position (GRCh38, 1-based): chr6:75,147,818, T>C on the plus strand (A>G on the coding strand, the complement: COL12A1 is on the minus strand). VCF-style: chr6-75147818-T-C. GRCh37 (hg19) VCF-style: chr6-75857534-T-C.
Other names: c.4288-14A>G (NM_001424114.1, NM_001424113.1); c.796-14A>G (NM_001424116.1, NM_080645.3); c.4015-14A>G (NM_001424115.1).
Identifiers: ClinVar variation 2946296 (VCV002946296.3), dbSNP rs2533373148, ClinGen allele CA2740091416.
Genomic context (GRCh38, chr6:75,147,818, plus strand): 5'-TTCAGATCTTTCAGCACTGTGCTAGTTTCCATTCGACTCACATAAAACTAGGGGGAAAAA[T>C]TAAACAGAGCAACAACGTATGTATAATCAGTTCCCTTTTTCCTACTATACTTACAAAGTA-3'

ClinVar aggregate classification (germline): Uncertain significance (1 of 4 stars; one submission).

Conditions:
Ullrich congenital muscular dystrophy 2 (UCMD2). Identifiers: Orphanet 75840, MedGen C4225314, MONDO:0014654, OMIM 616470.
Bethlem myopathy 2 (BTHLM2). Identifiers: Orphanet 536516, Orphanet 610, MedGen C4225313, MONDO:0034022, OMIM 616471.

Submission:

Labcorp Genetics (formerly Invitae), Labcorp
Classification: Uncertain significance for Bethlem myopathy 2; Ullrich congenital muscular dystrophy 2. Last evaluated: 2023-05-29. Review status: criteria provided, single submitter. Criteria: Invitae Variant Classification Sherloc (09022015). Collection method: clinical testing. Allele origin: germline.
Comment: In summary, the available evidence is currently insufficient to determine the role of this variant in disease. Therefore, it has been classified as a Variant of Uncertain Significance. Algorithms developed to predict the effect of sequence changes on RNA splicing suggest that this variant may disrupt the consensus splice site. This variant has not been reported in the literature in individuals affected with COL12A1-related conditions. This variant is not present in population databases (gnomAD no frequency). This sequence change falls in intron 22 of the COL12A1 gene. It does not directly change the encoded amino acid sequence of the COL12A1 protein.